The following is an entry in ClinVar:

NM_017871.6(INTS11):c.739G>A (p.Glu247Lys)

Gene: INTS11 (integrator complex subunit 11; minus strand). Cytogenetic location: 1p36.33.
Variant type: single nucleotide variant.
Coding change: c.739G>A on transcript NM_017871.6 (MANE Select); coding-DNA position 739, G replaced by A.
Protein change: p.Glu247Lys; replaces glutamic acid 247 with lysine.
Molecular consequence: missense variant.
Genome position (GRCh38, 1-based): chr1:1,314,329, C>T on the plus strand (G>A on the coding strand, the complement: INTS11 is on the minus strand). VCF-style: chr1-1314329-C-T. GRCh37 (hg19) VCF-style: chr1-1249709-C-T.
Other names: c.757G>A, p.Glu253Lys (NM_001256456.2); c.652G>A, p.Glu218Lys (NM_001256460.2); c.445G>A, p.Glu149Lys (NM_001256462.2); c.436G>A, p.Glu146Lys (NM_001256463.2); short protein forms E149K, E218K, E253K, E146K, E247K.
Identifiers: ClinVar variation 4829269 (VCV004829269.1).
Genomic context (GRCh38, chr1:1,314,329, plus strand): 5'-GCTCCTTAAAGAGCCGTCCTGGCGGCACCTACCAGAAGGTCTCCAGGAGGATGCAGAGCT[C>T]CTGGGCGCGGCCCAGCGCGAACACAGGTATCAGCACCTGAGGGGGACACAAGGCAGGAGC-3'
Protein context (NP_060341.2, residues 237-257): IPVFALGRAQ[Glu247Lys]LCILLETFWE

ClinVar aggregate classification (germline): Uncertain significance (1 of 4 stars; one submission).

gnomAD v4.1: 8 of 1,606,450 alleles (0.0005%); highest among the groups gnomAD compares: Admixed American, 0.0051%; no homozygotes.

Submission:

Ambry Genetics
Classification: Uncertain significance. Last evaluated: 2025-12-20. Review status: criteria provided, single submitter. Criteria: Ambry Variant Classification Scheme 2023. Collection method: clinical testing. Allele origin: germline.
Comment: The c.739G>A (p.E247K) alteration is located in coding exon 8 of the CPSF3L gene. This alteration results from a G to A substitution at nucleotide position 739, causing the glutamic acid (E) at amino acid position 247 to be replaced by a lysine (K). Based on data from gnomAD, the A allele has an overall frequency of 0.002% (4/265690) total alleles studied. The highest observed frequency was 0.009% (2/23150) of African alleles. This amino acid position is highly conserved in available vertebrate species. This alteration is predicted to be deleterious by in silico analysis. Based on insufficient or conflicting evidence, the clinical significance of this alteration remains unclear.